The following is an entry in ClinVar:

NM_021930.6(RINT1):c.434T>C (p.Leu145Pro)

Gene: RINT1 (RAD50 interactor 1; plus strand). Cytogenetic location: 7q22.3.
Variant type: single nucleotide variant.
Coding change: c.434T>C on transcript NM_021930.6 (MANE Select); coding-DNA position 434, T replaced by C.
Protein change: p.Leu145Pro; replaces leucine 145 with proline.
Molecular consequence: missense variant. On other transcripts: 5 prime UTR variant (3), non-coding transcript variant (1).
Genome position (GRCh38, 1-based): chr7:105,542,568, T>C. VCF-style: chr7-105542568-T-C. GRCh37 (hg19) VCF-style: chr7-105183015-T-C.
Other names: c.-489T>C (NM_001346601.2); c.-109T>C (NM_001346603.2); c.200T>C, p.Leu67Pro (NM_001346599.2); c.-586T>C (NM_001346600.2); short protein forms L67P, L145P.
Identifiers: ClinVar variation 1739928 (VCV001739928.7), dbSNP rs2485112913, ClinGen allele CA368803638.

ClinVar aggregate classification (germline): Uncertain significance. Review status: criteria provided, multiple submitters, no conflicts (2 of 4 stars). 2 submissions from 2 submitters: Uncertain significance (2). Last evaluated 2022-10-24.

Submissions (2):

Labcorp Genetics (formerly Invitae), Labcorp
Classification: Uncertain significance. Last evaluated: 2022-10-24. Review status: criteria provided, single submitter. Criteria: Invitae Variant Classification Sherloc (09022015). Collection method: clinical testing. Allele origin: germline.
Comment: In summary, the available evidence is currently insufficient to determine the role of this variant in disease. Therefore, it has been classified as a Variant of Uncertain Significance. Algorithms developed to predict the effect of missense changes on protein structure and function (SIFT, PolyPhen-2, Align-GVGD) all suggest that this variant is likely to be disruptive. This variant has not been reported in the literature in individuals affected with RINT1-related conditions. This variant is not present in population databases (gnomAD no frequency). This sequence change replaces leucine, which is neutral and non-polar, with proline, which is neutral and non-polar, at codon 145 of the RINT1 protein (p.Leu145Pro).

Ambry Genetics
Classification: Uncertain significance. Last evaluated: 2020-09-11. Review status: criteria provided, single submitter. Criteria: Ambry Variant Classification Scheme 2023. Collection method: clinical testing. Allele origin: germline.
Comment: The p.L145P variant (also known as c.434T>C), located in coding exon 4 of the RINT1 gene, results from a T to C substitution at nucleotide position 434. The leucine at codon 145 is replaced by proline, an amino acid with similar properties. This amino acid position is highly conserved in available vertebrate species. In addition, this alteration is predicted to be deleterious by in silico analysis. Since supporting evidence is limited at this time, the clinical significance of this alteration remains unclear.